The following is an entry in ClinVar:

NM_001374353.1(GLI2):c.4338C>A (p.Leu1446=)

Gene: GLI2 (GLI family zinc finger 2; plus strand). Cytogenetic location: 2q14.2.
Variant type: single nucleotide variant.
Coding change: c.4338C>A on transcript NM_001374353.1 (MANE Select); coding-DNA position 4338, C replaced by A.
Protein change: p.Leu1446=; no amino-acid change (leucine 1446 retained).
Molecular consequence: synonymous variant.
Genome position (GRCh38, 1-based): chr2:120,990,303, C>A. VCF-style: chr2-120990303-C-A. GRCh37 (hg19) VCF-style: chr2-121747879-C-A.
Other names: c.4389C>A, p.Leu1463= (NM_001371271.1, NM_005270.5); c.3963C>A, p.Leu1321= (NM_001374354.1).
Identifiers: ClinVar variation 3031984 (VCV003031984.2), dbSNP rs759318749, ClinGen allele CA428750542.

ClinVar aggregate classification (germline): Likely benign (0 of 4 stars; one submission).

Conditions:
GLI2-related disorder. Also called: GLI2-related disorders; GLI2-related condition.

Submission:

PreventionGenetics, part of Exact Sciences
Classification: Likely benign for GLI2-related condition. Last evaluated: 2020-08-10. Review status: no assertion criteria provided. Collection method: clinical testing. Allele origin: germline.
Comment: This variant is classified as likely benign based on ACMG/AMP sequence variant interpretation guidelines (Richards et al. 2015 PMID: 25741868, with internal and published modifications).